The following is an entry in ClinVar:

ClinVar aggregate classification (germline): Pathogenic (1 of 4 stars; one submission).

Submission:

Labcorp Genetics (formerly Invitae), Labcorp
Classification: Pathogenic. Last evaluated: 2023-10-22. Review status: criteria provided, single submitter. Criteria: Invitae Variant Classification Sherloc (09022015). Collection method: clinical testing. Allele origin: unknown.
Comment: This variant is a gross deletion of the genomic region encompassing exon(s) 2-11 of the ANO10 gene, which includes the initiator codon. This deletion extends beyond the assayed region for this gene and therefore may encompass additional genes. It is expected to result in an absent or disrupted protein product. Loss-of-function variants in ANO10 are known to be pathogenic (PMID: 25089919). This variant has not been reported in the literature in individuals affected with ANO10-related conditions. For these reasons, this variant has been classified as Pathogenic.

Literature cited by the submitters: PubMed 25089919.

NC_000003.11:g.(?_43591192)_(43647344_?)del

Gene: ANO10 (anoctamin 10; minus strand). Cytogenetic location: 3p22.1.
Variant type: Deletion.
Identifiers: ClinVar variation 3247030 (VCV003247030.1).